The following is an entry in ClinVar:

ClinVar aggregate classification (germline): Uncertain significance (1 of 4 stars; one submission).

Conditions:
Hereditary nonpolyposis colorectal neoplasms. Identifiers: MedGen C0009405, MeSH D003123.

Submission:

Labcorp Genetics (formerly Invitae), Labcorp
Classification: Uncertain significance for Hereditary nonpolyposis colorectal neoplasms. Last evaluated: 2018-07-28. Review status: criteria provided, single submitter. Criteria: Invitae Variant Classification Sherloc (09022015). Collection method: clinical testing. Allele origin: germline.
Comment: The frequency data for this variant in the population databases is considered unreliable, as metrics indicate poor data quality at this position in the ExAC database. In summary, the available evidence is currently insufficient to determine the role of this variant in disease. Therefore, it has been classified as a Variant of Uncertain Significance. Algorithms developed to predict the effect of missense changes on protein structure and function output the following: SIFT: "Tolerated"; PolyPhen-2: "Benign"; Align-GVGD: "Class C0". The arginine amino acid residue is found in multiple mammalian species, suggesting that this missense change does not adversely affect protein function. These predictions have not been confirmed by published functional studies and their clinical significance is uncertain. This variant has not been reported in the literature in individuals with PMS2-related disease. This sequence change replaces lysine with arginine at codon 828 of the PMS2 protein (p.Lys828Arg). The lysine residue is moderately conserved and there is a small physicochemical difference between lysine and arginine.

NM_000535.7(PMS2):c.2483A>G (p.Lys828Arg)

Gene: PMS2 (PMS1 homolog 2, mismatch repair system component; minus strand). Cytogenetic location: 7p22.1.
Variant type: single nucleotide variant.
Coding change: c.2483A>G on transcript NM_000535.7 (MANE Select); coding-DNA position 2483, A replaced by G.
Protein change: p.Lys828Arg; replaces lysine 828 with arginine.
Molecular consequence: missense variant. On other transcripts: non-coding transcript variant (1).
Genome position (GRCh38, 1-based): chr7:5,973,505, T>C on the plus strand (A>G on the coding strand, the complement: PMS2 is on the minus strand). VCF-style: chr7-5973505-T-C. GRCh37 (hg19) VCF-style: chr7-6013136-T-C.
Other names: c.2078A>G, p.Lys693Arg (NM_001322003.2, NM_001322004.2, NM_001322005.2); c.2327A>G, p.Lys776Arg (NM_001322006.2); c.2165A>G, p.Lys722Arg (NM_001322007.2, NM_001322008.2); c.2111A>G, p.Lys704Arg (NM_001322009.2); c.1922A>G, p.Lys641Arg (NM_001322010.2); c.1550A>G, p.Lys517Arg (NM_001322011.2, NM_001322012.2); c.1910A>G, p.Lys637Arg (NM_001322013.2); c.2516A>G, p.Lys839Arg (NM_001322014.2); and 1 more; short protein forms K641R, K693R, K725R, K517R, K637R, K704R, K722R, K839R.
Identifiers: ClinVar variation 641453 (VCV000641453.8), dbSNP rs1583270024, ClinGen allele CA366734963.